The following is an entry in ClinVar:

ClinVar aggregate classification (germline): Uncertain significance. Review status: criteria provided, multiple submitters, no conflicts (2 of 4 stars). 2 submissions from 2 submitters: Uncertain significance (2). Last evaluated 2026-01-07.

Allele frequency attached by ClinVar (database versions not stated): TOPMed below 0.00001; gnomAD 0.00001; gnomAD exomes 0.00001; ExAC 0.00003.
gnomAD v4.1: 25 of 1,614,110 alleles (0.0015%); highest among the groups gnomAD compares: South Asian, 0.023%; no homozygotes.

Submissions (2):

Labcorp Genetics (formerly Invitae), Labcorp
Classification: Uncertain significance. Last evaluated: 2026-01-07. Review status: criteria provided, single submitter. Criteria: Invitae Variant Classification Sherloc (09022015). Collection method: clinical testing. Allele origin: germline.
Comment: This sequence change replaces asparagine, which is neutral and polar, with serine, which is neutral and polar, at codon 710 of the RFWD3 protein (p.Asn710Ser). This variant is present in population databases (rs762199789, gnomAD 0.02%). This variant has not been reported in the literature in individuals affected with RFWD3-related conditions. ClinVar contains an entry for this variant (Variation ID: 2174564). An algorithm developed to predict the effect of missense changes on protein structure and function (PolyPhen-2) suggests that this variant is likely to be tolerated. In summary, the available evidence is currently insufficient to determine the role of this variant in disease. Therefore, it has been classified as a Variant of Uncertain Significance.

Ambry Genetics
Classification: Uncertain significance. Last evaluated: 2025-06-18. Review status: criteria provided, single submitter. Criteria: Ambry Variant Classification Scheme 2023. Collection method: clinical testing. Allele origin: germline.

NM_018124.4(RFWD3):c.2129A>G (p.Asn710Ser)

Gene: RFWD3 (ring finger and WD repeat domain 3; minus strand). Cytogenetic location: 16q23.1.
Variant type: single nucleotide variant.
Coding change: c.2129A>G on transcript NM_018124.4 (MANE Select); coding-DNA position 2129, A replaced by G.
Protein change: p.Asn710Ser; replaces asparagine 710 with serine.
Molecular consequence: missense variant.
Genome position (GRCh38, 1-based): chr16:74,626,395, T>C on the plus strand (A>G on the coding strand, the complement: RFWD3 is on the minus strand). VCF-style: chr16-74626395-T-C. GRCh37 (hg19) VCF-style: chr16-74660293-T-C.
Other names: c.2129A>G, p.Asn710Ser (NM_001370534.1, NM_001370535.1); c.1952A>G, p.Asn651Ser (NM_001370536.1); c.1295A>G, p.Asn432Ser (NM_001370537.1, NM_001370539.1, NM_001370540.1 and 3 more transcripts); c.2129A>G (NM_018124.3); short protein forms N432S, N651S, N710S.
Identifiers: ClinVar variation 2174564 (VCV002174564.5), dbSNP rs762199789, ClinGen allele CA8168987.
Genomic context (GRCh38, chr16:74,626,395, plus strand): 5'-AGGCTCACCAGGGCAGAATTTGCTGCTTCATCCCCAGTACACACCAGGATGTTGCCATCA[T>C]TCTCTGGGCTTTGGAAAATGGCATTTTTGGTCAATAGTTTGCAAGTAGGTCCTCCAAAAA-3'
Protein context (NP_060594.3, residues 700-720): TKNAIFQSPE[Asn710Ser]DGNILVCTGD